The following is an entry in ClinVar:

NM_001232.4(CASQ2):c.94G>A (p.Asp32Asn)

Gene: CASQ2 (calsequestrin 2; minus strand). Cytogenetic location: 1p13.1.
Variant type: single nucleotide variant.
Coding change: c.94G>A on transcript NM_001232.4 (MANE Select); coding-DNA position 94, G replaced by A.
Protein change: p.Asp32Asn; replaces aspartic acid 32 with asparagine.
Molecular consequence: missense variant.
Genome position (GRCh38, 1-based): chr1:115,768,448, C>T on the plus strand (G>A on the coding strand, the complement: CASQ2 is on the minus strand). VCF-style: chr1-115768448-C-T. GRCh37 (hg19) VCF-style: chr1-116311069-C-T.
Other names: p.D32N:GAC>AAC; short protein forms D32N.
Identifiers: ClinVar variation 68878 (VCV000068878.2), dbSNP rs147941846, ClinGen allele CA301922.
Genomic context (GRCh38, chr1:115,768,448, plus strand): 5'-GCAAGTCATATTTCTTTAAAACCTGCTTGAAGTTCTTCTCGGAAAGACTTACCACTCGGT[C>T]CTTCCCATCATATGTGGGGAAATTAAGCCCCTCTTCTGCCCTGCAAGAGGACAGAAAATA-3'
Protein context (NP_001223.2, residues 22-42): GLNFPTYDGK[Asp32Asn]RVVSLSEKNF

ClinVar aggregate classification (germline): Likely pathogenic (1 of 4 stars; one submission).

Submission:

GeneDx
Classification: Likely pathogenic. Last evaluated: 2014-08-20. Review status: criteria provided, single submitter. Criteria: GeneDx Variant Classification (06012015). Collection method: clinical testing. Allele origin: germline. Affected: yes.
Comment: p.Asp32Asn (GAC>AAC): c.94 G>A in exon 1 of the CASQ2 gene (NM_001232.3). The D32N variant that is likely pathogenic was identified in the CASQ2 gene. It has not been published as a mutation, nor has it been reported as a benign polymorphism to our knowledge. The D32N variant was not observed in approximately 6,500 individuals of European and African American ancestry in the NHLBI Exome Sequencing Project, indicating it is not a common benign variant in these populations. The D32N variant is a semi-conservative amino acid substitution, which may impact secondary protein structure as these residues differ in some properties. This substitution occurs at a position that is completely conserved across species. In silico analysis predicts this variant is probably damaging to the protein structure/function. One missense mutation in a nearby residue (R33Q) has been reported in association with CPVT, supporting the functional importance of this region of the protein. Therefore, this variant is a strong candidate for a pathogenic mutation, however the possibility that it is a benign variant cannot be excluded. The variant is found in ARRHYTHMIA panel(s).